The following is an entry in ClinVar:

NM_022041.4(GAN):c.564C>G (p.Asn188Lys)

Gene: GAN (gigaxonin; plus strand). Cytogenetic location: 16q23.2.
Variant type: single nucleotide variant.
Coding change: c.564C>G on transcript NM_022041.4 (MANE Select); coding-DNA position 564, C replaced by G.
Protein change: p.Asn188Lys; replaces asparagine 188 with lysine.
Molecular consequence: missense variant. On other transcripts: 5 prime UTR variant (1).
Genome position (GRCh38, 1-based): chr16:81,354,686, C>G. VCF-style: chr16-81354686-C-G. GRCh37 (hg19) VCF-style: chr16-81388291-C-G.
Other names: c.-76C>G (NM_001377486.1); short protein forms N188K.
Identifiers: ClinVar variation 571998 (VCV000571998.8), dbSNP rs201884522, ClinGen allele CA396869004.

ClinVar aggregate classification (germline): Uncertain significance (1 of 4 stars; one submission).

Conditions:
Giant axonal neuropathy 1 (GAN1). Also called: GIANT AXONAL NEUROPATHY 1, AUTOSOMAL RECESSIVE; GAN-Related Neurodegeneration. Identifiers: Orphanet 643, MedGen C1850386, MONDO:0009749, OMIM 256850.

Submission:

Labcorp Genetics (formerly Invitae), Labcorp
Classification: Uncertain significance for Giant axonal neuropathy 1. Last evaluated: 2018-05-24. Review status: criteria provided, single submitter. Criteria: Invitae Variant Classification Sherloc (09022015). Collection method: clinical testing. Allele origin: germline.
Comment: In summary, the available evidence is currently insufficient to determine the role of this variant in disease. Therefore, it has been classified as a Variant of Uncertain Significance. Algorithms developed to predict the effect of missense changes on protein structure and function (SIFT, PolyPhen-2, Align-GVGD) all suggest that this variant is likely to be tolerated, but these predictions have not been confirmed by published functional studies and their clinical significance is uncertain. This variant has not been reported in the literature in individuals with GAN-related disease. This variant is not present in population databases (ExAC no frequency). This sequence change replaces asparagine with lysine at codon 188 of the GAN protein (p.Asn188Lys). The asparagine residue is highly conserved and there is a moderate physicochemical difference between asparagine and lysine.